The following is an entry in ClinVar:

ClinVar aggregate classification (germline): Uncertain significance. Review status: criteria provided, multiple submitters, no conflicts (2 of 4 stars). 3 submissions from 3 submitters: Uncertain significance (2). 1 of the submissions does not count toward it. Last evaluated 2025-04-03.

Conditions:
Short-rib thoracic dysplasia 6 with or without polydactyly (SRTD6). Also called: Majewski Syndrome; POLYDACTYLY WITH NEONATAL CHONDRODYSTROPHY, TYPE II; SHORT-RIB THORACIC DYSPLASIA 6 WITH POLYDACTYLY; SHORT-RIB THORACIC DYSPLASIA 6 WITHOUT POLYDACTYLY; SHORT RIB-POLYDACTYLY SYNDROME, TYPE IIA. Identifiers: MedGen C0024507, MONDO:0009894, OMIM 263520.
NEK1-related disorder. Also called: NEK1-related condition.
Inborn genetic diseases. Identifiers: MedGen C0950123, MeSH D030342.

Allele frequency attached by ClinVar (database versions not stated): gnomAD 0.00001; gnomAD exomes 0.00001; TOPMed 0.00001; ExAC 0.00004.
gnomAD v4.1: 20 of 1,531,374 alleles (0.0013%); highest among the groups gnomAD compares: Middle Eastern, 0.017%; no homozygotes.

Submissions (3):

Ambry Genetics
Classification: Uncertain significance for Inborn genetic diseases. Last evaluated: 2025-04-03. Review status: criteria provided, single submitter. Criteria: Ambry Variant Classification Scheme 2023. Collection method: clinical testing. Allele origin: germline.

Labcorp Genetics (formerly Invitae), Labcorp
Classification: Uncertain significance for Short-rib thoracic dysplasia 6 with or without polydactyly. Last evaluated: 2023-11-06. Review status: criteria provided, single submitter. Criteria: Invitae Variant Classification Sherloc (09022015). Collection method: clinical testing. Allele origin: germline.
Comment: This sequence change replaces glutamic acid, which is acidic and polar, with lysine, which is basic and polar, at codon 839 of the NEK1 protein (p.Glu839Lys). The frequency data for this variant in the population databases is considered unreliable, as metrics indicate poor data quality at this position in the gnomAD database. This variant has not been reported in the literature in individuals affected with NEK1-related conditions. Advanced modeling of protein sequence and biophysical properties (such as structural, functional, and spatial information, amino acid conservation, physicochemical variation, residue mobility, and thermodynamic stability) performed at Invitae indicates that this missense variant is not expected to disrupt NEK1 protein function with a negative predictive value of 80%. In summary, the available evidence is currently insufficient to determine the role of this variant in disease. Therefore, it has been classified as a Variant of Uncertain Significance.

PreventionGenetics, part of Exact Sciences
Classification: Uncertain significance for NEK1-related condition. Last evaluated: 2024-06-28. Review status: no assertion criteria provided. Collection method: clinical testing. Allele origin: germline. Not counted in ClinVar's aggregate classification.
Comment: The NEK1 c.2515G>A variant is predicted to result in the amino acid substitution p.Glu839Lys. To our knowledge, this variant has not been reported in the literature. This variant is reported in 0.013% of alleles in individuals of Ashkenazi Jewish descent in gnomAD. At this time, the clinical significance of this variant is uncertain due to the absence of conclusive functional and genetic evidence.

NM_001199397.3(NEK1):c.2599G>A (p.Glu867Lys)

Gene: NEK1 (NIMA related kinase 1; minus strand). Cytogenetic location: 4q33.
Variant type: single nucleotide variant.
Coding change: c.2599G>A on transcript NM_001199397.3 (MANE Select); coding-DNA position 2599, G replaced by A.
Protein change: p.Glu867Lys; replaces glutamic acid 867 with lysine.
Molecular consequence: missense variant. On other transcripts: non-coding transcript variant (1), intron variant (1).
Genome position (GRCh38, 1-based): chr4:169,438,248, C>T on the plus strand (G>A on the coding strand, the complement: NEK1 is on the minus strand). VCF-style: chr4-169438248-C-T. GRCh37 (hg19) VCF-style: chr4-170359399-C-T.
Other names: c.2467G>A, p.Glu823Lys (NM_001199398.3); c.2308G>A, p.Glu770Lys (NM_001199399.3); c.2383G>A, p.Glu795Lys (NM_001199400.3); c.2599G>A, p.Glu867Lys (NM_001374418.1); c.2515G>A, p.Glu839Lys (NM_001374419.1, NM_012224.4); c.2464G>A, p.Glu822Lys (NM_001374420.1); c.2282-4583G>A (NM_001374421.1); c.2515G>A (NM_012224.2); short protein forms E770K, E795K, E822K, E839K, E823K, E867K.
Identifiers: ClinVar variation 2699780 (VCV002699780.5), dbSNP rs766764559, ClinGen allele CA3137367.